The following is an entry in ClinVar:

ClinVar aggregate classification (germline): Likely benign. Review status: criteria provided, multiple submitters, no conflicts (2 of 4 stars). 4 submissions from 4 submitters: Likely benign (4). Last evaluated 2026-08-01.

Conditions:
Familial hypercholesterolemia. Also called: Familial hypercholesterolemias; Familial hypercholesterolaemia. Identifiers: MedGen C0020445, MONDO:0005439.
Cardiovascular phenotype. Identifiers: MedGen CN230736.
Familial hypobetalipoproteinemia 1. Also called: APOB-Related Familial Hypobetalipoproteinemia; Hypobetalipoproteinemia, normotriglyceridemic; Acanthocytosis with hypobetalipoproteinemia. Identifiers: MedGen C4551990, MONDO:0014252, OMIM 615558.
Hypercholesterolemia, autosomal dominant, type B (FHCL2). Also called: Familial Hypercholesterolemia Type B; HYPERCHOLESTEROLEMIA, FAMILIAL, DUE TO LIGAND-DEFECTIVE APOLIPOPROTEIN B; Familial hypercholesterolemia 2; APOB-Related Familial Hypercholesterolemia, Autosomal Dominant; APOLIPOPROTEIN B-100, FAMILIAL DEFECTIVE; APOLIPOPROTEIN B-100, FAMILIAL LIGAND-DEFECTIVE. Identifiers: MedGen C1704417, MONDO:0007751, OMIM 144010.

Allele frequency attached by ClinVar (database versions not stated): ExAC 0.00003; gnomAD 0.00003 and 0.00004; gnomAD exomes 0.00004; TOPMed 0.00004.

Submissions (4):

CeGaT Center for Human Genetics Tuebingen
Classification: Likely benign. Last evaluated: 2026-08-01. Review status: criteria provided, single submitter. Criteria: CeGaT Center For Human Genetics Tuebingen Variant Classification Criteria Version 2. Collection method: clinical testing. Allele origin: germline. Affected: yes. Observed: 1 variant allele.
Comment: APOB: BP4, BP7

Labcorp Genetics (formerly Invitae), Labcorp
Classification: Likely benign for Familial hypobetalipoproteinemia 1; Hypercholesterolemia, autosomal dominant, type B. Last evaluated: 2026-02-03. Review status: criteria provided, single submitter. Criteria: Invitae Variant Classification Sherloc (09022015). Collection method: clinical testing. Allele origin: germline.

GENinCode PLC
Classification: Likely benign for Familial hypercholesterolemia. Last evaluated: 2025-01-09. Review status: criteria provided, single submitter. Criteria: ACMG Guidelines, 2015. Collection method: clinical testing. Allele origin: germline.
Comment: This is a synonymous (silent) variant that is not predicted to impact splicing and occurs at a nucleotide which is not highly conserved. This variant has been classified as Likely Benign (BP4, BP7).

Ambry Genetics
Classification: Likely benign for Cardiovascular phenotype. Last evaluated: 2019-10-11. Review status: criteria provided, single submitter. Criteria: Ambry Variant Classification Scheme 2023. Collection method: clinical testing. Allele origin: germline.

NM_000384.3(APOB):c.3219C>T (p.Leu1073=)

Gene: APOB (apolipoprotein B; minus strand). Cytogenetic location: 2p24.1.
Variant type: single nucleotide variant.
Coding change: c.3219C>T on transcript NM_000384.3 (MANE Select); coding-DNA position 3219, C replaced by T.
Protein change: p.Leu1073=; no amino-acid change (leucine 1073 retained).
Molecular consequence: synonymous variant.
Genome position (GRCh38, 1-based): chr2:21,016,552, G>A on the plus strand (C>T on the coding strand, the complement: APOB is on the minus strand). VCF-style: chr2-21016552-G-A. GRCh37 (hg19) VCF-style: chr2-21239424-G-A.
Identifiers: ClinVar variation 630326 (VCV000630326.16), dbSNP rs750588820, ClinGen allele CA058281.